The following is an entry in ClinVar:

ClinVar aggregate classification (germline): Uncertain significance (1 of 4 stars; one submission).

Conditions:
Tuberous sclerosis 2 (TSC2). Identifiers: Orphanet 805, MedGen C1860707, MONDO:0013199, OMIM 613254.

Submission:

Labcorp Genetics (formerly Invitae), Labcorp
Classification: Uncertain significance for Tuberous sclerosis 2. Last evaluated: 2018-08-07. Review status: criteria provided, single submitter. Criteria: Invitae Variant Classification Sherloc (09022015). Collection method: clinical testing. Allele origin: germline.
Comment: This sequence change replaces alanine with threonine at codon 1116 of the TSC2 protein (p.Ala1116Thr). The alanine residue is moderately conserved and there is a small physicochemical difference between alanine and threonine. This variant is not present in population databases (ExAC no frequency). This variant has not been reported in the literature in individuals with TSC2-related disease. Algorithms developed to predict the effect of missense changes on protein structure and function output the following: SIFT: "Tolerated"; PolyPhen-2: "Benign"; Align-GVGD: "Class C0". The threonine amino acid residue is found in multiple mammalian species, suggesting that this missense change does not adversely affect protein function. These predictions have not been confirmed by published functional studies and their clinical significance is uncertain. In summary, the available evidence is currently insufficient to determine the role of this variant in disease. Therefore, it has been classified as a Variant of Uncertain Significance.

NM_000548.5(TSC2):c.3346G>A (p.Ala1116Thr)

Gene: TSC2 (TSC complex subunit 2; plus strand). Cytogenetic location: 16p13.3.
Variant type: single nucleotide variant.
Coding change: c.3346G>A on transcript NM_000548.5 (MANE Select); coding-DNA position 3346, G replaced by A.
Protein change: p.Ala1116Thr; replaces alanine 1116 with threonine.
Molecular consequence: missense variant.
Genome position (GRCh38, 1-based): chr16:2,079,618, G>A. VCF-style: chr16-2079618-G-A. GRCh37 (hg19) VCF-style: chr16-2129619-G-A.
Other names: c.3214G>A, p.Ala1072Thr (NM_001077183.3, NM_001370404.1); c.3346G>A, p.Ala1116Thr (NM_001114382.3); c.3106G>A, p.Ala1036Thr (NM_001318827.2); c.3070G>A, p.Ala1024Thr (NM_001318829.2); c.2614G>A, p.Ala872Thr (NM_001318831.2); c.3247G>A, p.Ala1083Thr (NM_001318832.2); c.3217G>A, p.Ala1073Thr (NM_001363528.2, NM_001370405.1, NM_021055.3); short protein forms A1024T, A872T, A1083T, A1036T, A1072T, A1073T, A1116T.
Identifiers: ClinVar variation 658246 (VCV000658246.8), dbSNP rs1369469515, ClinGen allele CA394286638.
Genomic context (GRCh38, chr16:2,079,618, plus strand): 5'-TCCAGCCCCGGGGTGCATGTGAGACAGACCAAGGAGGCGCCGGCCAAGCTGGAGTCCCAG[G>A]CTGGGCAGCAGGTGTCCCGTGGGGCCCGGGATCGGGTCCGTTCCATGTCGGGTGAGCCTT-3'
Protein context (NP_000539.2, residues 1106-1126): KEAPAKLESQ[Ala1116Thr]GQQVSRGARD